The following is an entry in ClinVar:

NM_001211.6(BUB1B):c.2225A>T (p.Glu742Val)

Gene: BUB1B (BUB1 mitotic checkpoint serine/threonine kinase B; plus strand). Cytogenetic location: 15q15.1.
Variant type: single nucleotide variant.
Coding change: c.2225A>T on transcript NM_001211.6 (MANE Select); coding-DNA position 2225, A replaced by T.
Protein change: p.Glu742Val; replaces glutamic acid 742 with valine.
Molecular consequence: missense variant.
Genome position (GRCh38, 1-based): chr15:40,209,716, A>T. VCF-style: chr15-40209716-A-T. GRCh37 (hg19) VCF-style: chr15-40501917-A-T.
Other names: short protein forms E742V.
Identifiers: ClinVar variation 2450812 (VCV002450812.2), dbSNP rs2542571816, ClinGen allele CA391694424.

ClinVar aggregate classification (germline): Uncertain significance (1 of 4 stars; one submission).

Conditions:
Inborn genetic diseases. Identifiers: MedGen C0950123, MeSH D030342.

Submission:

Ambry Genetics
Classification: Uncertain significance for Inborn genetic diseases. Last evaluated: 2022-11-24. Review status: criteria provided, single submitter. Criteria: Ambry Variant Classification Scheme 2023. Collection method: clinical testing. Allele origin: germline.
Comment: The p.E742V variant (also known as c.2225A>T), located in coding exon 17 of the BUB1B gene, results from an A to T substitution at nucleotide position 2225. The glutamic acid at codon 742 is replaced by valine, an amino acid with dissimilar properties. This amino acid position is conserved. In addition, this alteration is predicted to be tolerated by in silico analysis. Since supporting evidence is limited at this time, the clinical significance of this alteration remains unclear.